The following is an entry in ClinVar:

ClinVar aggregate classification (germline): Uncertain significance (1 of 4 stars; one submission).

Conditions:
Long QT syndrome (LQTS). Identifiers: MedGen C0023976, MeSH D008133, MONDO:0002442. Disease mechanism: loss of function. Inheritance: Various modes of inheritance.

Submission:

Labcorp Genetics (formerly Invitae), Labcorp
Classification: Uncertain significance for Long QT syndrome. Last evaluated: 2024-10-07. Review status: criteria provided, single submitter. Criteria: Invitae Variant Classification Sherloc (09022015). Collection method: clinical testing. Allele origin: germline.
Comment: This sequence change replaces isoleucine, which is neutral and non-polar, with valine, which is neutral and non-polar, at codon 280 of the KCNJ5 protein (p.Ile280Val). This variant is not present in population databases (gnomAD no frequency). This variant has not been reported in the literature in individuals affected with KCNJ5-related conditions. Invitae Evidence Modeling of protein sequence and biophysical properties (such as structural, functional, and spatial information, amino acid conservation, physicochemical variation, residue mobility, and thermodynamic stability) indicates that this missense variant is not expected to disrupt KCNJ5 protein function with a negative predictive value of 80%. In summary, the available evidence is currently insufficient to determine the role of this variant in disease. Therefore, it has been classified as a Variant of Uncertain Significance.

NM_000890.5(KCNJ5):c.838A>G (p.Ile280Val)

Gene: KCNJ5 (potassium inwardly rectifying channel subfamily J member 5; plus strand). Cytogenetic location: 11q24.3.
Variant type: single nucleotide variant.
Coding change: c.838A>G on transcript NM_000890.5 (MANE Select); coding-DNA position 838, A replaced by G.
Protein change: p.Ile280Val; replaces isoleucine 280 with valine.
Molecular consequence: missense variant.
Genome position (GRCh38, 1-based): chr11:128,912,111, A>G. VCF-style: chr11-128912111-A-G. GRCh37 (hg19) VCF-style: chr11-128782006-A-G.
Other names: c.838A>G, p.Ile280Val (NM_001354169.2); short protein forms I280V.
Identifiers: ClinVar variation 3714088 (VCV003714088.2).